The following is an entry in ClinVar:

ClinVar aggregate classification (germline): Uncertain significance. Review status: criteria provided, multiple submitters, no conflicts (2 of 4 stars). 2 submissions from 2 submitters: Uncertain significance (2). Last evaluated 2024-12-15.

Conditions:
Inborn genetic diseases. Identifiers: MedGen C0950123, MeSH D030342.

Allele frequency attached by ClinVar (database versions not stated): gnomAD 0.00001; TOPMed 0.00001.
gnomAD v4.1: 1 of 1,613,974 alleles (0.000062%); highest among the groups gnomAD compares: Non-Finnish European, 0.000085%; no homozygotes.

Submissions (2):

Labcorp Genetics (formerly Invitae), Labcorp
Classification: Uncertain significance. Last evaluated: 2024-12-15. Review status: criteria provided, single submitter. Criteria: Invitae Variant Classification Sherloc (09022015). Collection method: clinical testing. Allele origin: germline.
Comment: This sequence change replaces leucine, which is neutral and non-polar, with arginine, which is basic and polar, at codon 1823 of the MYH3 protein (p.Leu1823Arg). This variant is not present in population databases (gnomAD no frequency). This variant has not been reported in the literature in individuals affected with MYH3-related conditions. ClinVar contains an entry for this variant (Variation ID: 2257067). Invitae Evidence Modeling of protein sequence and biophysical properties (such as structural, functional, and spatial information, amino acid conservation, physicochemical variation, residue mobility, and thermodynamic stability) indicates that this missense variant is not expected to disrupt MYH3 protein function with a negative predictive value of 95%. In summary, the available evidence is currently insufficient to determine the role of this variant in disease. Therefore, it has been classified as a Variant of Uncertain Significance.

Ambry Genetics
Classification: Uncertain significance for Inborn genetic diseases. Last evaluated: 2021-10-26. Review status: criteria provided, single submitter. Criteria: Ambry Variant Classification Scheme 2023. Collection method: clinical testing. Allele origin: germline.

NM_002470.4(MYH3):c.5468T>G (p.Leu1823Arg)

Gene: MYH3 (myosin heavy chain 3; minus strand). Cytogenetic location: 17p13.1.
Variant type: single nucleotide variant.
Coding change: c.5468T>G on transcript NM_002470.4 (MANE Select); coding-DNA position 5468, T replaced by G.
Protein change: p.Leu1823Arg; replaces leucine 1823 with arginine.
Molecular consequence: missense variant.
Genome position (GRCh38, 1-based): chr17:10,630,186, A>C on the plus strand (T>G on the coding strand, the complement: MYH3 is on the minus strand). VCF-style: chr17-10630186-A-C. GRCh37 (hg19) VCF-style: chr17-10533503-A-C.
Other names: short protein forms L1823R.
Identifiers: ClinVar variation 2257067 (VCV002257067.4), dbSNP rs1433891163, ClinGen allele CA398130796.